The following is an entry in ClinVar:

ClinVar aggregate classification (germline): Uncertain significance. Review status: criteria provided, multiple submitters, no conflicts (2 of 4 stars). 2 submissions from 2 submitters: Uncertain significance (2). Last evaluated 2025-10-28.

Conditions:
TTN-related disorder. Also called: TTN-related condition; TTN-related disease; TTN-related disorders.

Allele frequency attached by ClinVar (database versions not stated): TOPMed below 0.00001; ExAC 0.00001.
gnomAD v4.1: 3 of 1,613,708 alleles (0.00019%); highest among the groups gnomAD compares: Non-Finnish European, 0.00025%; no homozygotes.

Submissions (2):

PreventionGenetics, part of Exact Sciences
Classification: Uncertain significance for TTN-related condition. Last evaluated: 2025-10-28. Review status: criteria provided, single submitter. Criteria: ACMG Guidelines, 2015. Collection method: clinical testing. Allele origin: germline.
Comment: The TTN c.17584G>A variant is predicted to result in the amino acid substitution p.Glu5862Lys. To our knowledge, this variant has not been reported in the literature. This variant is reported in 0.00089% of alleles in individuals of European (Non-Finnish) descent in gnomAD. At this time, the clinical significance of this variant is uncertain due to the absence of conclusive functional and genetic evidence.

Women's Health and Genetics/Laboratory Corporation of America, LabCorp
Classification: Uncertain significance. Last evaluated: 2024-01-19. Review status: criteria provided, single submitter. Criteria: LabCorp Variant Classification Summary - May 2015. Collection method: clinical testing. Allele origin: germline.
Comment: Variant summary: TTN c.13852G>A (p.Glu4618Lys) results in a conservative amino acid change located in the I-band region of the encoded protein sequence. Two of three in-silico tools predict a benign effect of the variant on protein function. The variant allele was found at a frequency of 4e-06 in 249014 control chromosomes (gnomAD). The available data on variant occurrences in the general population are insufficient to allow any conclusion about variant significance. To our knowledge, no occurrence of c.13852G>A in individuals affected with Limb-Girdle Muscular Dystrophy, Type 2J and no experimental evidence demonstrating its impact on protein function have been reported. No submitters have cited clinical-significance assessments for this variant to ClinVar. Based on the evidence outlined above, the variant was classified as uncertain significance.

NM_001267550.2(TTN):c.17584G>A (p.Glu5862Lys)

Genes: TTN (titin; minus strand), LOC126806431 (CDK7 strongly-dependent group 2 enhancer GRCh37_chr2:179595719-179596918; plus strand). Cytogenetic location: 2q31.2.
Variant type: single nucleotide variant.
Coding change: c.17584G>A on transcript NM_001267550.2 (MANE Select); coding-DNA position 17584, G replaced by A.
Protein change: p.Glu5862Lys; replaces glutamic acid 5862 with lysine.
Molecular consequence: missense variant. On other transcripts: intron variant (3).
Genome position (GRCh38, 1-based): chr2:178,731,081, C>T on the plus strand (G>A on the coding strand, the complement: TTN is on the minus strand). VCF-style: chr2-178731081-C-T. GRCh37 (hg19) VCF-style: chr2-179595808-C-T.
Other names: c.16633G>A, p.Glu5545Lys (NM_001256850.1); c.13852G>A, p.Glu4618Lys (NM_133378.4); c.13282+7001G>A (NM_003319.4); c.13858+7001G>A (NM_133437.4); c.13657+7001G>A (NM_133432.3); short protein forms E4618K, E5545K, E5862K.
Identifiers: ClinVar variation 3064010 (VCV003064010.2), dbSNP rs756303980, ClinGen allele CA2001787.